The following is an entry in ClinVar:

ClinVar aggregate classification (germline): Pathogenic. Review status: reviewed by expert panel (3 of 4 stars). 2 submissions from 2 submitters: Pathogenic (1). 1 of the submissions does not count toward it. Last evaluated 2017-12-15.

Conditions:
Breast-ovarian cancer, familial, susceptibility to, 2 (BROVCA2). Also called: BRCA2 Hereditary Breast and Ovarian Cancer. Identifiers: Orphanet 145, MedGen C2675520, MONDO:0012933, OMIM 612555. Disease mechanism: loss of function.
Hereditary breast ovarian cancer syndrome. Also called: BRCA1- and BRCA2-Associated Hereditary Breast and Ovarian Cancer; Hereditary breast and/or ovarian cancer syndrome; Hereditary breast and ovarian cancer; Hereditary breast and ovarian cancer syndrome; Hereditary breast and ovarian cancer syndrome (HBOC); Breast and ovarian cancer. Identifiers: Orphanet 145, MedGen C0677776, MeSH D061325, MONDO:0003582. Disease mechanism: loss of function.

Submissions (2):

Evidence-based Network for the Interpretation of Germline Mutant Alleles (ENIGMA)
Classification: Pathogenic for Breast-ovarian cancer, familial, susceptibility to, 2. Last evaluated: 2017-12-15. Review status: reviewed by expert panel. Criteria: ENIGMA BRCA1/2 Classification Criteria (2017-06-29). Collection method: curation. Allele origin: germline. Study: ENIGMA.
Comment: Variant allele predicted to encode a truncated non-functional protein.

Research Molecular Genetics Laboratory, Women's College Hospital, University of Toronto
Classification: Pathogenic for Hereditary breast ovarian cancer syndrome. Last evaluated: 2014-01-31. Review status: no assertion criteria provided. Collection method: research. Allele origin: germline. Affected: yes. Study: The Canadian Open Genetics Repository (COGR). Not counted in ClinVar's aggregate classification.

NM_000059.4(BRCA2):c.7331del (p.Asp2444fs)

Gene: BRCA2 (BRCA2 DNA repair associated; plus strand). Cytogenetic location: 13q13.1.
Variant type: Deletion.
Coding change: c.7331del on transcript NM_000059.4 (MANE Select); coding-DNA position 7331, one base deleted (A; older notation c.7331delA).
Protein change: p.Asp2444fs; shifts the reading frame from aspartic acid 2444.
Molecular consequence: frameshift variant.
Genome position (GRCh38, 1-based): chr13:32,355,184, A deleted. VCF-style (leftmost placement, unchanged base first): chr13-32355183-GA-G. GRCh37 (hg19) VCF-style: chr13-32929320-GA-G.
Other names: c.7331delA (NM_000059.3); short protein forms D2444fs.
Identifiers: ClinVar variation 431333 (VCV000431333.1), dbSNP rs1135401918, ClinGen allele CA645372927.